The following is an entry in ClinVar:

NM_004655.4(AXIN2):c.1636G>A (p.Gly546Ser)

Gene: AXIN2 (axin 2; minus strand). Cytogenetic location: 17q24.1.
Variant type: single nucleotide variant.
Coding change: c.1636G>A on transcript NM_004655.4 (MANE Select); coding-DNA position 1636, G replaced by A.
Protein change: p.Gly546Ser; replaces glycine 546 with serine.
Molecular consequence: missense variant.
Genome position (GRCh38, 1-based): chr17:65,537,400, C>T on the plus strand (G>A on the coding strand, the complement: AXIN2 is on the minus strand). VCF-style: chr17-65537400-C-T. GRCh37 (hg19) VCF-style: chr17-63533518-C-T.
Other names: c.1636G>A (LRG_296t1); c.1636G>A, p.Gly546Ser (NM_001363813.1); short protein forms G546S.
Identifiers: ClinVar variation 464560 (VCV000464560.16), dbSNP rs780472818, ClinGen allele CA400677066.
Genomic context (GRCh38, chr17:65,537,400, plus strand): 5'-GCATGGTTTCCGGAGCCTTGGAGTGGCTTTTGCATTTCGAGTAGCAGTAATACTCGCTGC[C>T]CCCAGGGCAGAAGCAGTGCACCCGCTGCGTGGCCTCCGCCTCGATCTCCTCCTTGGTCTT-3'
Protein context (NP_004646.3, residues 536-556): TQRVHCFCPG[Gly546Ser]SEYYCYSKCK

ClinVar aggregate classification (germline): Conflicting classifications of pathogenicity. Review status: criteria provided, conflicting classifications (1 of 4 stars). 6 submissions from 6 submitters: Uncertain significance (5); Likely benign (1). Last evaluated 2025-06-09.

Conditions:
AXIN2-related disorder.
Hereditary cancer-predisposing syndrome. Also called: Tumor predisposition; Hereditary neoplastic syndrome; Neoplastic Syndromes, Hereditary; Hereditary Cancer Syndrome. Identifiers: Orphanet 140162, MedGen C0027672, MeSH D009386, MONDO:0015356.
Oligodontia-cancer predisposition syndrome. Also called: TOOTH AGENESIS-COLORECTAL CANCER SYNDROME. Identifiers: Orphanet 300576, MedGen C1837750, MONDO:0012075, OMIM 608615. Disease mechanism: loss of function.

Allele frequency attached by ClinVar (database versions not stated): gnomAD 0.00001 and 0.00003.
gnomAD v4.1: 6 of 1,613,936 alleles (0.00037%); highest among the groups gnomAD compares: Middle Eastern, 0.033%; no homozygotes.

Submissions (6):

Quest Diagnostics Nichols Institute San Juan Capistrano
Classification: Uncertain significance. Last evaluated: 2025-06-09. Review status: criteria provided, single submitter. Criteria: Quest Diagnostics criteria. Collection method: clinical testing. Allele origin: unknown.
Comment: The AXIN2 c.1636G>A (p.Gly546Ser) variant has not been reported in individuals with AXIN2-related conditions in the published literature. The frequency of this variant in the general population (Genome Aggregation Database) is uninformative in the assessment of its pathogenicity. Analysis of this variant using bioinformatics tools for the prediction of the effect of amino acid changes on protein structure and function yielded predictions that this variant is benign. Based on the available information, we are unable to determine the clinical significance of this variant.

Labcorp Genetics (formerly Invitae), Labcorp
Classification: Uncertain significance for Oligodontia-cancer predisposition syndrome. Last evaluated: 2025-05-05. Review status: criteria provided, single submitter. Criteria: Invitae Variant Classification Sherloc (09022015). Collection method: clinical testing. Allele origin: germline.
Comment: This sequence change replaces glycine, which is neutral and non-polar, with serine, which is neutral and polar, at codon 546 of the AXIN2 protein (p.Gly546Ser). This variant is present in population databases (no rsID available, gnomAD 0.007%). This variant has not been reported in the literature in individuals affected with AXIN2-related conditions. ClinVar contains an entry for this variant (Variation ID: 464560). Invitae Evidence Modeling of protein sequence and biophysical properties (such as structural, functional, and spatial information, amino acid conservation, physicochemical variation, residue mobility, and thermodynamic stability) indicates that this missense variant is not expected to disrupt AXIN2 protein function with a negative predictive value of 80%. In summary, the available evidence is currently insufficient to determine the role of this variant in disease. Therefore, it has been classified as a Variant of Uncertain Significance.

Center for Genomic Medicine, Rigshospitalet, Copenhagen University Hospital
Classification: Uncertain significance. Last evaluated: 2025-03-04. Review status: criteria provided, single submitter. Criteria: ACMG Guidelines, 2015. Collection method: clinical testing. Allele origin: germline.

PreventionGenetics, part of Exact Sciences
Classification: Uncertain significance for AXIN2-related condition. Last evaluated: 2024-12-05. Review status: criteria provided, single submitter. Criteria: ACMG Guidelines, 2015. Collection method: clinical testing. Allele origin: germline.
Comment: The AXIN2 c.1636G>A variant is predicted to result in the amino acid substitution p.Gly546Ser. To our knowledge, this variant has not been reported in the literature. This variant is reported in 0.0065% of alleles in individuals of European (Non-Finnish) descent in gnomAD. This variant has conflicting interpretations ranging from uncertain to likely benign in ClinVar. At this time, the clinical significance of this variant is uncertain due to the absence of conclusive functional and genetic evidence.

Ambry Genetics
Classification: Likely benign for Hereditary cancer-predisposing syndrome. Last evaluated: 2023-12-07. Review status: criteria provided, single submitter. Criteria: Ambry Variant Classification Scheme 2023. Collection method: clinical testing. Allele origin: germline.

Sema4
Classification: Uncertain significance for Hereditary cancer-predisposing syndrome. Last evaluated: 2022-03-17. Review status: criteria provided, single submitter. Criteria: Sema4 Curation Guidelines. Collection method: curation. Allele origin: germline.
Comment: To the best of our knowledge, the AXIN2 c.1636G>A (p.G546S) variant has not been reported in individuals with AXIN2-related disease. It was observed in 1/15390 chromosomes of the Non-Finnish European subpopulation in the large and broad cohorts of the Genome Aggregation Database (PMID: 32461654). This variant has been reported in ClinVar (Variation ID 464560). In silico tools suggest the impact of the missense change on protein function is benign though these predictions have not been confirmed by functional studies. The evidence is insufficient to meet ACMG/AMP criteria for classifying the variant as benign or pathogenic. Thus, the clinical significance of this variant is currently uncertain.